The following is an entry in ClinVar:

ClinVar aggregate classification (germline): Benign/Likely benign. Review status: criteria provided, multiple submitters, no conflicts (2 of 4 stars). 6 submissions from 6 submitters: Benign (1); Likely benign (4). 1 of the submissions does not count toward it. Last evaluated 2026-07-10.

Conditions:
SMARCA4-related disorder. Also called: SMARCA4-related condition.
Hereditary cancer-predisposing syndrome. Also called: Hereditary Cancer Syndrome; Hereditary neoplastic syndrome; Neoplastic Syndromes, Hereditary; Tumor predisposition. Identifiers: Orphanet 140162, MedGen C0027672, MeSH D009386, MONDO:0015356.
Rhabdoid tumor predisposition syndrome 2 (RTPS2). Identifiers: Orphanet 231108, Orphanet 69077, MedGen C2750074, MONDO:0013224, OMIM 613325.

Allele frequency attached by ClinVar (database versions not stated): gnomAD 0.00004 and 0.00003; gnomAD exomes below 0.00001; TOPMed 0.00003.
gnomAD v4.1: 12 of 1,613,976 alleles (0.00074%); highest among the groups gnomAD compares: Non-Finnish European, 0.001%; no homozygotes.

Submissions (6):

Myriad Genetics, Inc.
Classification: Benign for Rhabdoid tumor predisposition syndrome 2. Last evaluated: 2026-07-10. Review status: criteria provided, single submitter. Criteria: Myriad Autosomal Dominant, Autosomal Recessive and X-Linked Classification Criteria (2023). Collection method: clinical testing. Allele origin: unknown.
Comment: This variant is considered benign. This variant is a silent/synonymous amino acid change and it is not expected to impact splicing.

Labcorp Genetics (formerly Invitae), Labcorp
Classification: Likely benign for Rhabdoid tumor predisposition syndrome 2. Last evaluated: 2025-11-09. Review status: criteria provided, single submitter. Criteria: Invitae Variant Classification Sherloc (09022015). Collection method: clinical testing. Allele origin: germline.

Blueprint Genetics
Classification: Likely benign. Last evaluated: 2024-09-18. Review status: criteria provided, single submitter. Criteria: ACMG Guidelines, 2015. Collection method: clinical testing. Allele origin: germline.

GeneDx
Classification: Likely benign. Last evaluated: 2021-03-06. Review status: criteria provided, single submitter. Criteria: GeneDx Variant Classification Process June 2021. Collection method: clinical testing. Allele origin: germline. Affected: yes.

Ambry Genetics
Classification: Likely benign for Hereditary cancer-predisposing syndrome. Last evaluated: 2015-08-08. Review status: criteria provided, single submitter. Criteria: Ambry Variant Classification Scheme 2023. Collection method: clinical testing. Allele origin: germline.

PreventionGenetics, part of Exact Sciences
Classification: Likely benign for SMARCA4-related condition. Last evaluated: 2022-12-30. Review status: no assertion criteria provided. Collection method: clinical testing. Allele origin: germline. Not counted in ClinVar's aggregate classification.
Comment: This variant is classified as likely benign based on ACMG/AMP sequence variant interpretation guidelines (Richards et al. 2015 PMID: 25741868, with internal and published modifications).

NM_003072.5(SMARCA4):c.1815T>C (p.Pro605=)

Gene: SMARCA4 (SWI/SNF related BAF chromatin remodeling complex subunit ATPase 4; plus strand). Cytogenetic location: 19p13.2.
Variant type: single nucleotide variant.
Coding change: c.1815T>C on transcript NM_003072.5 (MANE Select); coding-DNA position 1815, T replaced by C.
Protein change: p.Pro605=; no amino-acid change (proline 605 retained).
Molecular consequence: synonymous variant. On other transcripts: non-coding transcript variant (1).
Genome position (GRCh38, 1-based): chr19:11,003,031, T>C. VCF-style: chr19-11003031-T-C. GRCh37 (hg19) VCF-style: chr19-11113707-T-C.
Other names: c.1815T>C, p.Pro605= (NM_001128844.3, NM_001128845.2, NM_001128846.2 and 5 more transcripts).
Identifiers: ClinVar variation 415146 (VCV000415146.23), dbSNP rs1034540403, ClinGen allele CA16615913.